The following is an entry in ClinVar:

NM_000264.5(PTCH1):c.3052T>G (p.Trp1018Gly)

Gene: PTCH1 (patched 1; minus strand). Cytogenetic location: 9q22.32.
Variant type: single nucleotide variant.
Coding change: c.3052T>G on transcript NM_000264.5 (MANE Select); coding-DNA position 3052, T replaced by G.
Protein change: p.Trp1018Gly; replaces tryptophan 1018 with glycine.
Molecular consequence: missense variant. On other transcripts: non-coding transcript variant (1).
Genome position (GRCh38, 1-based): chr9:95,458,129, A>C on the plus strand (T>G on the coding strand, the complement: PTCH1 is on the minus strand). VCF-style: chr9-95458129-A-C. GRCh37 (hg19) VCF-style: chr9-98220411-A-C.
Other names: c.2854T>G, p.Trp952Gly (NM_001083602.3); c.3049T>G, p.Trp1017Gly (NM_001083603.3); c.2599T>G, p.Trp867Gly (NM_001083604.3, NM_001083605.3, NM_001083606.3 and 1 more transcripts); c.2896T>G, p.Trp966Gly (NM_001354918.2); short protein forms W1017G, W966G, W867G, W952G, W1018G.
Identifiers: ClinVar variation 2057239 (VCV002057239.4), dbSNP rs1588540148, ClinGen allele CA374112494.

ClinVar aggregate classification (germline): Uncertain significance (1 of 4 stars; one submission).

Conditions:
Gorlin syndrome. Also called: Nevoid Basal Cell Carcinoma Syndrome; Basal cell nevus syndrome. Identifiers: Orphanet 377, MedGen C0004779, MONDO:0007187.

Submission:

Labcorp Genetics (formerly Invitae), Labcorp
Classification: Uncertain significance for Gorlin syndrome. Last evaluated: 2022-06-07. Review status: criteria provided, single submitter. Criteria: Invitae Variant Classification Sherloc (09022015). Collection method: clinical testing. Allele origin: germline.
Comment: In summary, the available evidence is currently insufficient to determine the role of this variant in disease. Therefore, it has been classified as a Variant of Uncertain Significance. Advanced modeling of protein sequence and biophysical properties (such as structural, functional, and spatial information, amino acid conservation, physicochemical variation, residue mobility, and thermodynamic stability) performed at Invitae indicates that this missense variant is expected to disrupt PTCH1 protein function. This variant has not been reported in the literature in individuals affected with PTCH1-related conditions. This variant is not present in population databases (gnomAD no frequency). This sequence change replaces tryptophan, which is neutral and slightly polar, with glycine, which is neutral and non-polar, at codon 1018 of the PTCH1 protein (p.Trp1018Gly).